The following is an entry in ClinVar:

ClinVar aggregate classification (germline): Uncertain significance (1 of 4 stars; one submission).

Conditions:
Autosomal recessive ataxia, Beauce type. Also called: SYNE1-Related Autosomal Recessive Cerebellar Ataxia; Spinocerebellar ataxia, autosomal recessive 8; ATAXIA, RECESSIVE, OF BEAUCE; SYNE1 Deficiency. Identifiers: Orphanet 88644, MedGen C1853116, MONDO:0012549, OMIM 610743.
Emery-Dreifuss muscular dystrophy 4, autosomal dominant (EDMD4). Also called: EMERY-DREIFUSS MUSCULAR DYSTROPHY 4 WITH VARIABLE FEATURES. Identifiers: Orphanet 261, MedGen C2751807, MONDO:0013071, OMIM 612998.

Submission:

Labcorp Genetics (formerly Invitae), Labcorp
Classification: Uncertain significance for Emery-Dreifuss muscular dystrophy 4, autosomal dominant; Autosomal recessive ataxia, Beauce type. Last evaluated: 2025-10-18. Review status: criteria provided, single submitter. Criteria: Invitae Variant Classification Sherloc (09022015). Collection method: clinical testing. Allele origin: germline.
Comment: This sequence change replaces isoleucine, which is neutral and non-polar, with threonine, which is neutral and polar, at codon 5156 of the SYNE1 protein (p.Ile5156Thr). This variant is not present in population databases (gnomAD no frequency). This variant has not been reported in the literature in individuals affected with SYNE1-related conditions. An algorithm developed to predict the effect of missense changes on protein structure and function outputs the following: PolyPhen-2: "Benign". The threonine amino acid residue is found in multiple mammalian species, which suggests that this missense change does not adversely affect protein function. In summary, the available evidence is currently insufficient to determine the role of this variant in disease. Therefore, it has been classified as a Variant of Uncertain Significance.

NM_182961.4(SYNE1):c.15680T>C (p.Ile5227Thr)

Gene: SYNE1 (spectrin repeat containing nuclear envelope protein 1; minus strand). Cytogenetic location: 6q25.2.
Variant type: single nucleotide variant.
Coding change: c.15680T>C on transcript NM_182961.4 (MANE Select); coding-DNA position 15680, T replaced by C.
Protein change: p.Ile5227Thr; replaces isoleucine 5227 with threonine.
Molecular consequence: missense variant.
Genome position (GRCh38, 1-based): chr6:152,323,715, A>G on the plus strand (T>C on the coding strand, the complement: SYNE1 is on the minus strand). VCF-style: chr6-152323715-A-G. GRCh37 (hg19) VCF-style: chr6-152644850-A-G.
Other names: c.15467T>C, p.Ile5156Thr (NM_033071.5); short protein forms I5156T, I5227T.
Identifiers: ClinVar variation 4790556 (VCV004790556.1).
Genomic context (GRCh38, chr6:152,323,715, plus strand): 5'-AGCTCTGCTTTCGATGCTTTCTCTGCTGAACTTCCAGGTAACTTATCTTGCAGCTGATCA[A>G]TCATTTCAGTGGCCTTTTTAACCTGATGACAAATGTACATACTATGAAGTTCAATAATAA-3'
Protein context (NP_892006.3, residues 5217-5237): NNKVKKATEM[Ile5227Thr]DQLQDKLPGS